The following is an entry in ClinVar:

ClinVar aggregate classification (germline): Uncertain significance. Review status: criteria provided, multiple submitters, no conflicts (2 of 4 stars). 4 submissions from 4 submitters: Uncertain significance (4). Last evaluated 2026-01-02.

Conditions:
Hereditary cancer-predisposing syndrome. Also called: Hereditary Cancer Syndrome; Neoplastic Syndromes, Hereditary; Tumor predisposition; Hereditary neoplastic syndrome. Identifiers: Orphanet 140162, MedGen C0027672, MeSH D009386, MONDO:0015356.
Neurodegeneration with ataxia and late-onset optic atrophy. Identifiers: MedGen C5543254, MONDO:0031006, OMIM 619259.
Dilated cardiomyopathy 1GG (CMD1GG). Identifiers: Orphanet 154, MedGen C3150898, MONDO:0013339, OMIM 613642.
Mitochondrial complex II deficiency, nuclear type 1. Also called: SUCCINATE CoQ REDUCTASE DEFICIENCY. Identifiers: Orphanet 3208, MedGen C5700310, MONDO:0100294, OMIM 252011.
Pheochromocytoma/paraganglioma syndrome 5. Also called: Paragangliomas 5; SDHA-Related Hereditary Paraganglioma-Pheochromocytoma Syndrome. Identifiers: Orphanet 29072, MedGen C3279992, MONDO:0013602, OMIM 614165.

gnomAD v4.1: 2 of 1,446,550 alleles (0.00014%); highest among the groups gnomAD compares: Non-Finnish European, 0.00018%; no homozygotes.

Submissions (4):

Labcorp Genetics (formerly Invitae), Labcorp
Classification: Uncertain significance for Pheochromocytoma/paraganglioma syndrome 5; Mitochondrial complex II deficiency, nuclear type 1. Last evaluated: 2026-01-02. Review status: criteria provided, single submitter. Criteria: Invitae Variant Classification Sherloc (09022015). Collection method: clinical testing. Allele origin: germline.
Comment: This sequence change replaces arginine, which is basic and polar, with tryptophan, which is neutral and slightly polar, at codon 14 of the SDHA protein (p.Arg14Trp). This variant is not present in population databases (gnomAD no frequency). This variant has not been reported in the literature in individuals affected with SDHA-related conditions. ClinVar contains an entry for this variant (Variation ID: 950063). Invitae Evidence Modeling of protein sequence and biophysical properties (such as structural, functional, and spatial information, amino acid conservation, physicochemical variation, residue mobility, and thermodynamic stability) indicates that this missense variant is not expected to disrupt SDHA protein function with a negative predictive value of 95%. In summary, the available evidence is currently insufficient to determine the role of this variant in disease. Therefore, it has been classified as a Variant of Uncertain Significance.

Ambry Genetics
Classification: Uncertain significance for Hereditary cancer-predisposing syndrome. Last evaluated: 2023-12-21. Review status: criteria provided, single submitter. Criteria: Ambry Variant Classification Scheme 2023. Collection method: clinical testing. Allele origin: germline.
Comment: The p.R14W variant (also known as c.40C>T), located in coding exon 1 of the SDHA gene, results from a C to T substitution at nucleotide position 40. The arginine at codon 14 is replaced by tryptophan, an amino acid with dissimilar properties. This amino acid position is well conserved in available vertebrate species. In addition, this alteration is predicted to be tolerated by in silico analysis. Since supporting evidence is limited at this time, the clinical significance of this alteration remains unclear.

GeneDx
Classification: Uncertain significance. Last evaluated: 2023-07-13. Review status: criteria provided, single submitter. Criteria: GeneDx Variant Classification Process June 2021. Collection method: clinical testing. Allele origin: germline. Affected: yes.
Comment: Not observed at significant frequency in large population cohorts (gnomAD); In silico analysis supports that this missense variant does not alter protein structure/function; Has not been previously published as pathogenic or benign to our knowledge

Fulgent Genetics
Classification: Uncertain significance for Mitochondrial complex II deficiency, nuclear type 1; Dilated cardiomyopathy 1GG; Pheochromocytoma/paraganglioma syndrome 5; Neurodegeneration with ataxia and late-onset optic atrophy. Last evaluated: 2021-08-27. Review status: criteria provided, single submitter. Criteria: ACMG Guidelines, 2015. Collection method: clinical testing. Allele origin: unknown.

NM_004168.4(SDHA):c.40C>T (p.Arg14Trp)

Gene: SDHA (succinate dehydrogenase complex flavoprotein subunit A; plus strand). Cytogenetic location: 5p15.33.
Variant type: single nucleotide variant.
Coding change: c.40C>T on transcript NM_004168.4 (MANE Select); coding-DNA position 40, C replaced by T.
Protein change: p.Arg14Trp; replaces arginine 14 with tryptophan.
Molecular consequence: missense variant.
Genome position (GRCh38, 1-based): chr5:218,395, C>T. VCF-style: chr5-218395-C-T. GRCh37 (hg19) VCF-style: chr5-218510-C-T.
Other names: c.40C>T, p.Arg14Trp (NM_001294332.2, NM_001330758.2); short protein forms R14W.
Identifiers: ClinVar variation 950063 (VCV000950063.12), dbSNP rs1192077362, ClinGen allele CA359007367.